The following is an entry in ClinVar:

ClinVar aggregate classification (germline): Likely pathogenic (1 of 4 stars; one submission).

Conditions:
Periventricular nodular heterotopia 9. Identifiers: MedGen C5394503, MONDO:0030061, OMIM 618918.

Submission:

New York Genome Center
Classification: Likely pathogenic for Periventricular nodular heterotopia 9. Last evaluated: 2021-02-05. Review status: criteria provided, single submitter. Criteria: NYGC Assertion Criteria 2020. Collection method: clinical testing. Allele origin: inherited. Observed: 1 heterozygote. Study: CSER-NYCKidSeq.
Comment: The inherited c.6421C>T (p.Gln2141Ter) stop-gained variant identified in exon 5 (of 7) of the MAP1B gene creates a premature translation termination codon and is predicted to cause loss of normal protein function either through protein truncation or nonsense-mediated mRNA decay. The variant is absent from gnomAD(v3) database indicating it is a rare allele in the populations represented in the database. The variant is absent from ClinVar database and has not been reported in affected individuals to the best of our knowledge. Based on the available evidence, the inherited heterozygous c.6421C>T(p.Gln2141Ter) stop-gained variant identified in the MAP1B gene is reported as Likely Pathogenic.

NM_005909.5(MAP1B):c.6421C>T (p.Gln2141Ter)

Gene: MAP1B (microtubule associated protein 1B; plus strand). Cytogenetic location: 5q13.2.
Variant type: single nucleotide variant.
Coding change: c.6421C>T on transcript NM_005909.5 (MANE Select); coding-DNA position 6421, C replaced by T.
Protein change: p.Gln2141Ter; replaces glutamine 2141 with a stop codon.
Molecular consequence: nonsense.
Genome position (GRCh38, 1-based): chr5:72,199,776, C>T. VCF-style: chr5-72199776-C-T. GRCh37 (hg19) VCF-style: chr5-71495603-C-T.
Other names: c.6043C>T, p.Gln2015Ter (NM_001324255.2); short protein forms Q2015*, Q2141*.
Identifiers: ClinVar variation 1341820 (VCV001341820.1), dbSNP rs2111893851, ClinGen allele CA360022846.